The following is an entry in ClinVar:

ClinVar aggregate classification (germline): Uncertain significance (1 of 4 stars; one submission).

Conditions:
Developmental and epileptic encephalopathy, 25 (DEE25). Also called: Epileptic encephalopathy, early infantile, 25; Developmental and epileptic encephalopathy 25, with amelogenesis imperfecta; Epileptic encephalopathy, early infantile, 25, with amelogenesis imperfecta. Identifiers: Orphanet 442835, MedGen C4014621, MONDO:0014392, OMIM 615905.

Submission:

Baylor Genetics
Classification: Uncertain significance for Developmental and epileptic encephalopathy, 25. Last evaluated: 2018-09-25. Review status: criteria provided, single submitter. Criteria: ACMG Guidelines, 2015. Collection method: clinical testing. Allele origin: paternal. Affected: yes.
Comment: This variant was determined to be of uncertain significance according to ACMG Guidelines, 2015 [PMID:25741868].

NM_177550.5(SLC13A5):c.40T>C (p.Phe14Leu)

Gene: SLC13A5 (solute carrier family 13 member 5; minus strand). Cytogenetic location: 17p13.1.
Variant type: single nucleotide variant.
Coding change: c.40T>C on transcript NM_177550.5 (MANE Select); coding-DNA position 40, T replaced by C.
Protein change: p.Phe14Leu; replaces phenylalanine 14 with leucine.
Molecular consequence: missense variant.
Genome position (GRCh38, 1-based): chr17:6,713,294, A>G on the plus strand (T>C on the coding strand, the complement: SLC13A5 is on the minus strand). VCF-style: chr17-6713294-A-G. GRCh37 (hg19) VCF-style: chr17-6616613-A-G.
Other names: c.40T>C, p.Phe14Leu (NM_001143838.3, NM_001284509.2, NM_001284510.2); short protein forms F14L.
Identifiers: ClinVar variation 1031746 (VCV001031746.1), dbSNP rs1974091514, ClinGen allele CA397753916.